The following is an entry in ClinVar:

NM_001142800.2(EYS):c.5053T>G (p.Ser1685Ala)

Gene: EYS (EGF-like photoreceptor maintenance factor; minus strand). Cytogenetic location: 6q12.
Variant type: single nucleotide variant.
Coding change: c.5053T>G on transcript NM_001142800.2 (MANE Select); coding-DNA position 5053, T replaced by G.
Protein change: p.Ser1685Ala; replaces serine 1685 with alanine.
Molecular consequence: missense variant.
Genome position (GRCh38, 1-based): chr6:64,590,814, A>C on the plus strand (T>G on the coding strand, the complement: EYS is on the minus strand). VCF-style: chr6-64590814-A-C. GRCh37 (hg19) VCF-style: chr6-65300707-A-C.
Other names: c.5053T>G, p.Ser1685Ala (NM_001292009.2); short protein forms S1685A.
Identifiers: ClinVar variation 809964 (VCV000809964.50), dbSNP rs759642068, ClinGen allele CA3877038.

ClinVar aggregate classification (germline): Uncertain significance. Review status: criteria provided, multiple submitters, no conflicts (2 of 4 stars). 6 submissions from 6 submitters: Uncertain significance (5). 1 of the submissions does not count toward it. Last evaluated 2026-02-10.

Conditions:
Retinitis pigmentosa (RP). Identifiers: Orphanet 791, MedGen C0035334, MeSH D012174, MONDO:0019200, OMIM 268000. Inheritance: Autosomal dominant, autosomal recessive and X linked inheritance.
Autosomal recessive retinitis pigmentosa. Identifiers: MedGen C0339526.
EYS-related disorder. Also called: EYS-related condition.

Allele frequency attached by ClinVar (database versions not stated): TOPMed 0.00009; gnomAD exomes 0.00010 and 0.00012; gnomAD 0.00011; ExAC 0.00015.
gnomAD v4.1: 160 of 1,549,994 alleles (0.01%); highest among the groups gnomAD compares: Non-Finnish European, 0.011%; no homozygotes.

Submissions (6):

PreventionGenetics, part of Exact Sciences
Classification: Uncertain significance for EYS-related condition. Last evaluated: 2026-02-10. Review status: criteria provided, single submitter. Criteria: ACMG Guidelines, 2015. Collection method: clinical testing. Allele origin: germline.
Comment: The EYS c.5053T>G variant is predicted to result in the amino acid substitution p.Ser1685Ala. To our knowledge, this variant has not been reported in the literature. This variant is reported in 0.046% of alleles in individuals of Ashkenazi Jewish descent in gnomAD. At this time, the clinical significance of this variant is uncertain due to the absence of conclusive functional and genetic evidence.

Blueprint Genetics
Classification: Uncertain significance. Last evaluated: 2024-11-27. Review status: criteria provided, single submitter. Criteria: ACMG Guidelines, 2015. Collection method: clinical testing. Allele origin: germline.

CeGaT Center for Human Genetics Tuebingen
Classification: Uncertain significance. Last evaluated: 2024-10-01. Review status: criteria provided, single submitter. Criteria: CeGaT Center For Human Genetics Tuebingen Variant Classification Criteria Version 2. Collection method: clinical testing. Allele origin: germline. Affected: yes. Observed: 2 variant alleles.
Comment: EYS: PM2, BP4

Labcorp Genetics (formerly Invitae), Labcorp
Classification: Uncertain significance. Last evaluated: 2022-09-12. Review status: criteria provided, single submitter. Criteria: Invitae Variant Classification Sherloc (09022015). Collection method: clinical testing. Allele origin: germline.
Comment: This sequence change replaces serine, which is neutral and polar, with alanine, which is neutral and non-polar, at codon 1685 of the EYS protein (p.Ser1685Ala). This variant is present in population databases (rs759642068, gnomAD 0.05%). This variant has not been reported in the literature in individuals affected with EYS-related conditions. ClinVar contains an entry for this variant (Variation ID: 809964). Algorithms developed to predict the effect of missense changes on protein structure and function (SIFT, PolyPhen-2, Align-GVGD) all suggest that this variant is likely to be tolerated. In summary, the available evidence is currently insufficient to determine the role of this variant in disease. Therefore, it has been classified as a Variant of Uncertain Significance.

Illumina Laboratory Services, Illumina
Classification: Uncertain significance for Retinitis pigmentosa. Last evaluated: 2018-01-13. Review status: criteria provided, single submitter. Criteria: ICSL Variant Classification Criteria 13 December 2019. Collection method: clinical testing. Allele origin: germline.

Natera, Inc.
Classification: Uncertain significance for Autosomal recessive retinitis pigmentosa. Last evaluated: 2020-11-03. Review status: no assertion criteria provided. Collection method: clinical testing. Allele origin: germline. Not counted in ClinVar's aggregate classification.